The following is an entry in ClinVar:

ClinVar aggregate classification (germline): Uncertain significance (1 of 4 stars; one submission).

Conditions:
SEMA3G-related disorder. Also called: SEMA3G-related condition.

gnomAD v4.1: 44 of 1,613,230 alleles (0.0027%); highest among the groups gnomAD compares: African/African-American, 0.0067%; no homozygotes.

Submission:

PreventionGenetics, part of Exact Sciences
Classification: Uncertain significance for SEMA3G-related condition. Last evaluated: 2026-04-21. Review status: criteria provided, single submitter. Criteria: ACMG Guidelines, 2015. Collection method: clinical testing. Allele origin: germline.
Comment: The SEMA3G c.1575C>T variant is not predicted to result in an amino acid change (p.=). This variant has a predicted impact on splicing (SpliceAI, Jaganathan et al. 2019. PubMed ID: 30661751). To our knowledge, this variant has not been reported in the literature. This variant is reported in 0.0062% of alleles in individuals of African descent in gnomAD. Although we suspect that this variant may be benign, the clinical significance of this variant is currently classified as uncertain due to the absence of conclusive functional and genetic evidence.

NM_020163.3(SEMA3G):c.1575C>T (p.Tyr525=)

Gene: SEMA3G (semaphorin 3G; minus strand). Cytogenetic location: 3p21.1.
Variant type: single nucleotide variant.
Coding change: c.1575C>T on transcript NM_020163.3 (MANE Select); coding-DNA position 1575, C replaced by T.
Protein change: p.Tyr525=; no amino-acid change (tyrosine 525 retained).
Molecular consequence: synonymous variant.
Genome position (GRCh38, 1-based): chr3:52,438,134, G>A on the plus strand (C>T on the coding strand, the complement: SEMA3G is on the minus strand). VCF-style: chr3-52438134-G-A. GRCh37 (hg19) VCF-style: chr3-52472150-G-A.
Identifiers: ClinVar variation 3352525 (VCV003352525.2).
Genomic context (GRCh38, chr3:52,438,134, plus strand): 5'-GGCACCATCCCAGGCACAGTATGGGTCCCGGGCCAGGCAGCACTCTGCACAGGCAGTGCC[G>A]TAAGTCTCACATTGGTGCAGCCGCAGCTGGGCCACACCCAGCCGAGAGCCCACGTATAGC-3'
Protein context (NP_064548.1, residues 515-535): AQLRLHQCET[Tyr525=]GTACAECCLA